The following is an entry in ClinVar:

ClinVar aggregate classification (germline): Uncertain significance (1 of 4 stars; one submission).

Conditions:
Combined immunodeficiency due to DOCK8 deficiency (HIES2). Also called: HIES autosomal recessive; DOCK8 Deficiency; HYPER-IgE RECURRENT INFECTION SYNDROME 2, AUTOSOMAL RECESSIVE; HYPER-IgE SYNDROME 2, AUTOSOMAL RECESSIVE, WITH RECURRENT INFECTIONS; Hyper-IgE recurrent infection syndrome, autosomal recessive. Identifiers: Orphanet 217390, MedGen C4722305, MONDO:0009478, OMIM 243700.

gnomAD v4.1: 4 of 1,614,176 alleles (0.00025%); highest among the groups gnomAD compares: Admixed American, 0.0067%; no homozygotes.

Submission:

Labcorp Genetics (formerly Invitae), Labcorp
Classification: Uncertain significance for Combined immunodeficiency due to DOCK8 deficiency. Last evaluated: 2022-05-25. Review status: criteria provided, single submitter. Criteria: Invitae Variant Classification Sherloc (09022015). Collection method: clinical testing. Allele origin: germline.
Comment: In summary, the available evidence is currently insufficient to determine the role of this variant in disease. Therefore, it has been classified as a Variant of Uncertain Significance. Algorithms developed to predict the effect of sequence changes on RNA splicing suggest that this variant may disrupt the consensus splice site. This variant has not been reported in the literature in individuals affected with DOCK8-related conditions. This variant is present in population databases (no rsID available, gnomAD 0.01%). This sequence change affects codon 1363 of the DOCK8 mRNA. It is a 'silent' change, meaning that it does not change the encoded amino acid sequence of the DOCK8 protein.

NM_203447.4(DOCK8):c.4087C>A (p.Arg1363=)

Gene: DOCK8 (dedicator of cytokinesis 8; plus strand). Cytogenetic location: 9p24.3.
Variant type: single nucleotide variant.
Coding change: c.4087C>A on transcript NM_203447.4 (MANE Select); coding-DNA position 4087, C replaced by A.
Protein change: p.Arg1363=; no amino-acid change (arginine 1363 retained).
Molecular consequence: synonymous variant.
Genome position (GRCh38, 1-based): chr9:421,012, C>A. VCF-style: chr9-421012-C-A. GRCh37 (hg19) VCF-style: chr9-421012-C-A.
Other names: c.3787C>A, p.Arg1263= (NM_001190458.2); c.3883C>A, p.Arg1295= (NM_001193536.2).
Identifiers: ClinVar variation 1926509 (VCV001926509.5), dbSNP rs142093178, ClinGen allele CA463694500.
Genomic context (GRCh38, chr9:421,012, plus strand): 5'-AAACAGAGTTCTGACAAAGTCAGTACCCAAGTCCTGCAGAAGTCAAGGGATGTCAAGGCC[C>A]GGCTGGAAGAGGCTTTGCTCCGTGGGGAAGGGGCCAGAGGGGAGATGATGCGCCGCCGGG-3'
Protein context (NP_982272.2, residues 1353-1373): VLQKSRDVKA[Arg1363=]LEEALLRGEG